The following is an entry in ClinVar:

NM_018972.4(GDAP1):c.1019dup (p.Arg341fs)

Gene: GDAP1 (ganglioside induced differentiation associated protein 1; plus strand). Cytogenetic location: 8q21.11.
Variant type: Duplication.
Coding change: c.1019dup on transcript NM_018972.4 (MANE Select); coding-DNA position 1019, one base duplicated (T; older notation c.1019dupT).
Protein change: p.Arg341fs; shifts the reading frame from arginine 341.
Molecular consequence: frameshift variant. On other transcripts: intron variant (1).
Genome position (GRCh38, 1-based): chr8:74,364,309, T duplicated; the last of 4 consecutive T bases (chr8:74,364,306-74,364,309); duplicating any one gives the same sequence. VCF-style (leftmost placement, unchanged base first): chr8-74364305-C-CT. GRCh37 (hg19) VCF-style: chr8-75276540-C-CT.
Other names: c.815dup, p.Arg273fs (NM_001040875.4); c.692dup, p.Arg232fs (NM_001362929.2, NM_001362932.2); c.845dup, p.Arg283fs (NM_001362930.2); c.694+1256dup (NM_001362931.2); c.1019dup (NM_018972.2); short protein forms R232fs, R283fs, R341fs, R273fs.
Identifiers: ClinVar variation 406140 (VCV000406140.16), dbSNP rs756461496, ClinGen allele CA4785228.

ClinVar aggregate classification (germline): Conflicting classifications of pathogenicity. Review status: criteria provided, conflicting classifications (1 of 4 stars). 6 submissions from 6 submitters: Pathogenic (1); Likely pathogenic (1); Uncertain significance (2). 2 of the submissions do not count toward it. Last evaluated 2026-01-06.

Conditions:
Inborn genetic diseases. Identifiers: MedGen C0950123, MeSH D030342.
Charcot-Marie-Tooth disease. Also called: Charcot-Marie-Tooth Hereditary Neuropathy; Charcot-Marie-Tooth Neuropathy. Identifiers: Orphanet 166, MedGen C0007959, MONDO:0015626.
Charcot-Marie-Tooth disease type 4A. Also called: Charcot-Marie-Tooth disease, demyelinating, autosomal recessive, type 4a. Identifiers: Orphanet 99948, MedGen C1859198, MONDO:0008961, OMIM 214400.
Charcot-Marie-Tooth disease axonal type 2K (CMT2K). Also called: CHARCOT-MARIE-TOOTH DISEASE, AXONAL, AUTOSOMAL RECESSIVE, TYPE 2K; CHARCOT-MARIE-TOOTH NEUROPATHY, AXONAL, TYPE 2K; Charcot-Marie-Tooth disease type 2K. Identifiers: Orphanet 101097, Orphanet 99944, MedGen C1842983, MONDO:0011916, OMIM 607831.

Submissions (6):

Labcorp Genetics (formerly Invitae), Labcorp
Classification: Pathogenic for Charcot-Marie-Tooth disease type 4A. Last evaluated: 2026-01-06. Review status: criteria provided, single submitter. Criteria: Invitae Variant Classification Sherloc (09022015). Collection method: clinical testing. Allele origin: germline.
Comment: This sequence change creates a premature translational stop signal (p.Arg341Glnfs*12) in the GDAP1 gene. While this is not anticipated to result in nonsense mediated decay, it is expected to disrupt the last 18 amino acid(s) of the GDAP1 protein. The frequency data for this variant in the population databases is considered unreliable, as metrics indicate poor data quality at this position in the gnomAD database. This premature translational stop signal has been observed in individual(s) with autosomal recessive neuropathy (internal data). In at least one individual the data is consistent with being in trans (on the opposite chromosome) from a pathogenic variant. It has also been observed to segregate with disease in related individuals. This variant has been reported in individual(s) with autosomal dominant neuropathy (PMID: 25614874; internal data); however, the role of the variant in this condition is currently unclear. ClinVar contains an entry for this variant (Variation ID: 406140). For these reasons, this variant has been classified as Pathogenic.

GeneDx
Classification: Uncertain significance. Last evaluated: 2025-09-17. Review status: criteria provided, single submitter. Criteria: GeneDx Variant Classification Process June 2021. Collection method: clinical testing. Allele origin: germline.
Comment: Identified with a pathogenic GDAP1 variant in a patient with CMT in the published literature; however, segregation information was not provided (PMID: 31827005); Reported in additional patients with CMT in published literature; however, information regarding zygosity and segregation was not provided (PMID: 25614874, 32376792); Frameshift variant predicted to result in abnormal protein length as the last 18 amino acids are replaced with 11 different amino acids; Not observed at significant frequency in large population cohorts (gnomAD); This variant is associated with the following publications: (PMID: 32376792, 20685671, 20849849, 23628762, 31827005, 25614874)

Ambry Genetics
Classification: Likely pathogenic for Inborn genetic diseases. Last evaluated: 2022-04-21. Review status: criteria provided, single submitter. Criteria: Ambry Variant Classification Scheme 2023. Collection method: clinical testing. Allele origin: germline.
Comment: The c.1019dupT variant, located in coding exon 6 of the GDAP1 gene, results from a duplication of T at nucleotide position 1019, causing a translational frameshift with a predicted alternate stop codon (p.R341Qfs*12). This alteration occurs at the 3' terminus of the GDAP1 gene, is not expected to trigger nonsense-mediated mRNA decay, and only impacts the last 3% of the protein. However, premature stop codons are typically deleterious in nature and the impacted region is critical for protein function (Ambry internal data). This variant is considered to be rare based on population cohorts in the Genome Aggregation Database (gnomAD). Based on the supporting evidence, this variant is expected to be causative of a spectrum of autosomal recessive Charcot-Marie-Tooth (CMT) diseases including CMT recessive intermediate type A (CMTRIA), axonal CMT disease with vocal cord paresis, and CMT type 4A (CMT4A) when present along with a second pathogenic variant on the other allele; however, its clinical significance for autosomal dominant axonal CMT disease, type 2K (CMT2K) is unclear.

Blueprint Genetics
Classification: Uncertain significance. Last evaluated: 2022-01-10. Review status: criteria provided, single submitter. Criteria: ACMG Guidelines, 2015. Collection method: clinical testing. Allele origin: germline.

Inherited Neuropathy Consortium Ii, University Of Miami
Classification: Uncertain significance for Charcot-Marie-Tooth disease axonal type 2K. Last evaluated: 2016-01-06. Review status: no assertion criteria provided. Collection method: literature only. Allele origin: germline. Affected: yes. Not counted in ClinVar's aggregate classification.

Inherited Neuropathy Consortium
Classification: Pathogenic for Charcot-Marie-Tooth disease. Review status: no assertion criteria provided. Collection method: literature only. Allele origin: germline. Affected: yes. Not counted in ClinVar's aggregate classification.

Literature cited by the submitters: PubMed 25614874 (cited by 3 submitters).